The following is an entry in ClinVar:

NM_000059.4(BRCA2):c.8515T>C (p.Tyr2839His)

Gene: BRCA2 (BRCA2 DNA repair associated; plus strand). Cytogenetic location: 13q13.1.
Variant type: single nucleotide variant.
Coding change: c.8515T>C on transcript NM_000059.4 (MANE Select); coding-DNA position 8515, T replaced by C.
Protein change: p.Tyr2839His; replaces tyrosine 2839 with histidine.
Molecular consequence: missense variant.
Genome position (GRCh38, 1-based): chr13:32,370,983, T>C. VCF-style: chr13-32370983-T-C. GRCh37 (hg19) VCF-style: chr13-32945120-T-C.
Other names: short protein forms Y2839H.
Identifiers: ClinVar variation 188108 (VCV000188108.31), dbSNP rs758884639, ClinGen allele CA025688.

ClinVar aggregate classification (germline): Conflicting classifications of pathogenicity. Review status: criteria provided, conflicting classifications (1 of 4 stars). 11 submissions from 11 submitters: Uncertain significance (8); Likely benign (1). 2 of the submissions do not count toward it. Last evaluated 2026-06-05.

Conditions:
BRCA2-related cancer predisposition. Identifiers: MedGen CN377758, MONDO:0700269.
Hereditary cancer-predisposing syndrome. Also called: Neoplastic Syndromes, Hereditary; Tumor predisposition; Hereditary neoplastic syndrome; Hereditary Cancer Syndrome. Identifiers: Orphanet 140162, MedGen C0027672, MeSH D009386, MONDO:0015356.
Hereditary breast ovarian cancer syndrome. Also called: Hereditary breast and ovarian cancer syndrome (HBOC); Hereditary breast and ovarian cancer syndrome; Breast and ovarian cancer; Hereditary breast and ovarian cancer; Hereditary breast and/or ovarian cancer syndrome; BRCA1- and BRCA2-Associated Hereditary Breast and Ovarian Cancer. Identifiers: Orphanet 145, MedGen C0677776, MeSH D061325, MONDO:0003582. Disease mechanism: loss of function.
Breast-ovarian cancer, familial, susceptibility to, 2 (BROVCA2). Also called: BRCA2 Hereditary Breast and Ovarian Cancer. Identifiers: Orphanet 145, MedGen C2675520, MONDO:0012933, OMIM 612555. Disease mechanism: loss of function.
Familial cancer of breast. Also called: Hereditary breast cancer; hereditary breast carcinoma; BREAST CANCER, FAMILIAL. Identifiers: Orphanet 227535, MedGen C0346153, MONDO:0016419, OMIM 114480. Disease mechanism: loss of function.

Allele frequency attached by ClinVar (database versions not stated): ExAC 0.00002; gnomAD exomes 0.00002.
gnomAD v4.1: 23 of 1,614,124 alleles (0.0014%); highest among the groups gnomAD compares: South Asian, 0.021%; 1 homozygote.

Submissions (11):

Women's Health and Genetics/Laboratory Corporation of America, LabCorp
Classification: Uncertain significance. Last evaluated: 2026-06-05. Review status: criteria provided, single submitter. Criteria: LabCorp Variant Classification Summary - May 2015. Collection method: clinical testing. Allele origin: germline.
Comment: Variant summary: BRCA2 c.8515T>C (p.Tyr2839His) results in a conservative amino acid change in the encoded protein sequence. Algorithms developed to predict the effect of missense changes on protein structure and function are either unavailable or do not agree on the potential impact of this missense change. The variant allele was found at a frequency of 2.4e-05 in 251166 control chromosomes. The available data on variant occurrences in the general population are insufficient to allow any conclusion about variant significance. c.8515T>C has been observed in individuals affected with breast and/or ovarian cancer (e.g. Singh_2018, Zhang_2022). These reports do not provide unequivocal conclusions about association of the variant with disease. To our knowledge, no experimental evidence demonstrating an impact on protein function has been reported. The following publications have been ascertained in the context of this evaluation (PMID: 29470806, 35918668). ClinVar contains an entry for this variant (Variation ID: 188108). Based on the evidence outlined above, the variant was classified as uncertain significance.

Labcorp Genetics (formerly Invitae), Labcorp
Classification: Uncertain significance for Hereditary breast ovarian cancer syndrome. Last evaluated: 2025-09-19. Review status: criteria provided, single submitter. Criteria: Invitae Variant Classification Sherloc (09022015). Collection method: clinical testing. Allele origin: germline.
Comment: This sequence change replaces tyrosine, which is neutral and polar, with histidine, which is basic and polar, at codon 2839 of the BRCA2 protein (p.Tyr2839His). This variant is present in population databases (rs758884639, gnomAD 0.01%). This missense change has been observed in individual(s) with breast and/or ovarian cancer (PMID: 29470806, 35918668). ClinVar contains an entry for this variant (Variation ID: 188108). Invitae Evidence Modeling of protein sequence and biophysical properties (such as structural, functional, and spatial information, amino acid conservation, physicochemical variation, residue mobility, and thermodynamic stability) indicates that this missense variant is not expected to disrupt BRCA2 protein function with a negative predictive value of 95%. In summary, the available evidence is currently insufficient to determine the role of this variant in disease. Therefore, it has been classified as a Variant of Uncertain Significance.

Quest Diagnostics Nichols Institute San Juan Capistrano
Classification: Uncertain significance. Last evaluated: 2025-09-17. Review status: criteria provided, single submitter. Criteria: Quest Diagnostics criteria. Collection method: clinical testing. Allele origin: unknown.
Comment: The BRCA2 c.8515T>C (p.Tyr2839His) variant has been identified in the published literature in individuals with breast and/or ovarian cancer (PMID: 35918668 (2022), 33471991 (2021), 29470806 (2018), see also LOVD), and in reportedly unaffected individuals (PMID: 33471991 (2021), 32467295 (2020), see also LOVD). This variant showed benign effects in saturation genome editing assays measuring DNA repair-dependent cell survival (PMID: 39779857 (2025), 39779848 (2025)). The frequency of this variant in the general population (Genome Aggregation Database) is uninformative in the assessment of its pathogenicity. Analysis of this variant using bioinformatics tools for the prediction of the effect of amino acid changes on protein structure and function yielded conflicting predictions that this variant is benign or damaging. Based on the available information, we are unable to determine the clinical significance of this variant.

Ambry Genetics
Classification: Uncertain significance for Hereditary cancer-predisposing syndrome. Last evaluated: 2024-11-11. Review status: criteria provided, single submitter. Criteria: Ambry Variant Classification Scheme 2023. Collection method: clinical testing. Allele origin: germline.
Comment: The p.Y2839H variant (also known as c.8515T>C), located in coding exon 19 of the BRCA2 gene, results from a T to C substitution at nucleotide position 8515. The tyrosine at codon 2839 is replaced by histidine, an amino acid with similar properties. This variant was observed in a study of 1010 unrelated Indian individuals diagnosed with breast and/or ovarian cancer (Singh J et al. Breast Cancer Res Treat, 2018 Jul;170:189-196). This amino acid position is not well conserved in available vertebrate species. In addition, the in silico prediction for this alteration is inconclusive. Based on the available evidence, the clinical significance of this variant remains unclear.

Myriad Genetics, Inc.
Classification: Likely benign for Breast-ovarian cancer, familial, susceptibility to, 2. Last evaluated: 2024-09-03. Review status: criteria provided, single submitter. Criteria: Myriad Autosomal Dominant, Autosomal Recessive and X-Linked Classification Criteria (2023). Collection method: clinical testing. Allele origin: unknown.
Comment: This variant is considered likely benign. This variant is strongly associated with less severe personal and family histories of cancer, typical for individuals without pathogenic variants in this gene [PMID: 25085752].

All of Us Research Program, National Institutes of Health
Classification: Uncertain significance for BRCA2-related cancer predisposition. Last evaluated: 2024-06-11. Review status: criteria provided, single submitter. Criteria: ACMG Guidelines, 2015. Collection method: clinical testing. Allele origin: germline. Inheritance: Autosomal dominant inheritance. Observed: 2 variant alleles, 2 heterozygotes.
Comment: This missense variant replaces tyrosine with histidine at codon 2839 of the BRCA2 protein. Computational prediction suggests that this variant may not impact protein structure and function. To our knowledge, functional studies have not been reported for this variant. This variant has been reported in individuals affected with breast or ovarian cancer (PMID: 29470806, 35918668). This variant has also been reported in a breast cancer case-control meta-analysis in 1/60465 cases and 2/53459 unaffected individuals (PMID: 33471991; Leiden Open Variation Database DB-ID BRCA2_008676). This variant has been identified in 6/251166 chromosomes in the general population by the Genome Aggregation Database (gnomAD). The available evidence is insufficient to determine the role of this variant in disease conclusively. Therefore, this variant is classified as a Variant of Uncertain Significance.

This study involves interpretation of variants in research participants for the purpose of population health screening. Participant phenotype was not available at the time of variant classification. Additional details can be found in publication PMID: 35346344, PMCID: PMC8962531

Color Diagnostics, LLC DBA Color Health
Classification: Uncertain significance for Hereditary cancer-predisposing syndrome. Last evaluated: 2024-04-24. Review status: criteria provided, single submitter. Criteria: ACMG Guidelines, 2015. Collection method: clinical testing. Allele origin: germline.
Comment: This missense variant replaces tyrosine with histidine at codon 2839 of the BRCA2 protein. Computational prediction suggests that this variant may not impact protein structure and function. To our knowledge, functional studies have not been reported for this variant. This variant has been reported in individuals affected with breast or ovarian cancer (PMID: 29470806, 35918668). This variant has also been reported in a breast cancer case-control meta-analysis in 1/60465 cases and 2/53459 unaffected individuals (PMID: 33471991; Leiden Open Variation Database DB-ID BRCA2_008676). This variant has been identified in 6/251166 chromosomes in the general population by the Genome Aggregation Database (gnomAD). The available evidence is insufficient to determine the role of this variant in disease conclusively. Therefore, this variant is classified as a Variant of Uncertain Significance.

GeneDx
Classification: Uncertain significance. Last evaluated: 2024-03-28. Review status: criteria provided, single submitter. Criteria: GeneDx Variant Classification Process June 2021. Collection method: clinical testing. Allele origin: germline. Affected: yes.
Comment: In silico analysis supports that this missense variant does not alter protein structure/function; Also known as 8743T>C; This variant is associated with the following publications: (PMID: 27093186, 31131967, 12228710, 29470806, Tria2019[CaseReport], 35918668, 32467295, 33471991)

Baylor Genetics
Classification: Uncertain significance for Familial cancer of breast. Last evaluated: 2024-02-28. Review status: criteria provided, single submitter. Criteria: ACMG Guidelines, 2015. Collection method: clinical testing. Allele origin: unknown.

BRCAlab, Lund University
Classification: Uncertain significance for Breast-ovarian cancer, familial, susceptibility to, 2. Last evaluated: 2020-03-02. Review status: no assertion criteria provided. Collection method: clinical testing. Allele origin: germline. Affected: yes. Not counted in ClinVar's aggregate classification.

Center for Precision Medicine, Meizhou People's Hospital
Classification: Uncertain significance for Familial cancer of breast. Review status: no assertion criteria provided. Collection method: literature only. Allele origin: germline. Affected: yes. Not counted in ClinVar's aggregate classification.

Literature cited by the submitters: PubMed 29470806 (cited by 6 submitters); PubMed 35918668 (cited by 5 submitters); PubMed 33471991 (cited by 3 submitters); PubMed 32467295 (cited by Quest Diagnostics Nichols Institute San Juan Capistrano); PubMed 39779848 (cited by Quest Diagnostics Nichols Institute San Juan Capistrano); PubMed 39779857 (cited by Quest Diagnostics Nichols Institute San Juan Capistrano); PubMed 31131967 (cited by Quest Diagnostics Nichols Institute San Juan Capistrano); PubMed 25085752 (cited by Myriad Genetics, Inc.).